The following is an entry in ClinVar:

ClinVar aggregate classification (germline): Uncertain significance. Review status: criteria provided, multiple submitters, no conflicts (2 of 4 stars). 8 submissions from 8 submitters: Uncertain significance (7). 1 of the submissions does not count toward it. Last evaluated 2024-12-26.

Conditions:
Hereditary spastic paraplegia. Also called: Familial spastic paraparesis. Identifiers: Orphanet 685, MedGen C0037773, MONDO:0019064. Disease mechanism: loss of function.
Hereditary spastic paraplegia 49 (HSAN9). Also called: Spastic paraplegia 49, autosomal recessive; TECPR2-Related Hereditary Sensory and Autonomic Neuropathy with Intellectual Disability; NEUROPATHY, HEREDITARY SENSORY AND AUTONOMIC, TYPE IX, WITH DEVELOPMENTAL DELAY. Identifiers: Orphanet 320385, MedGen C5190860, MONDO:0014016, OMIM 615031.

Allele frequency attached by ClinVar (database versions not stated): 1000 Genomes Project 30x 0.00016; 1000 Genomes Project 0.00020; ESP Exome Variant Server 0.00031; TOPMed 0.00033; gnomAD 0.00038.
gnomAD v4.1: 520 of 1,613,326 alleles (0.032%); highest among the groups gnomAD compares: Middle Eastern, 0.099%; 1 homozygote.

Submissions (8):

Women's Health and Genetics/Laboratory Corporation of America, LabCorp
Classification: Uncertain significance. Last evaluated: 2024-12-26. Review status: criteria provided, single submitter. Criteria: LabCorp Variant Classification Summary - May 2015. Collection method: clinical testing. Allele origin: germline.
Comment: Variant summary: TECPR2 c.2330G>A (p.Ser777Asn) results in a conservative amino acid change in the encoded protein sequence. Five of five in-silico tools predict a benign effect of the variant on protein function. The variant allele was found at a frequency of 0.00033 in 248962 control chromosomes. This frequency is not significantly higher than estimated for a pathogenic variant in TECPR2 causing Hereditary spastic paraplegia 49 (0.00033 vs 0.0011), allowing no conclusion about variant significance. To our knowledge, no occurrence of c.2330G>A in individuals affected with Hereditary spastic paraplegia 49 and no experimental evidence demonstrating its impact on protein function have been reported. ClinVar contains an entry for this variant (Variation ID: 651200). Based on the evidence outlined above, the variant was classified as uncertain significance.

Labcorp Genetics (formerly Invitae), Labcorp
Classification: Uncertain significance for Hereditary spastic paraplegia 49. Last evaluated: 2024-12-02. Review status: criteria provided, single submitter. Criteria: Invitae Variant Classification Sherloc (09022015). Collection method: clinical testing. Allele origin: germline.
Comment: This sequence change replaces serine, which is neutral and polar, with asparagine, which is neutral and polar, at codon 777 of the TECPR2 protein (p.Ser777Asn). This variant is present in population databases (rs144849839, gnomAD 0.2%). This variant has not been reported in the literature in individuals affected with TECPR2-related conditions. ClinVar contains an entry for this variant (Variation ID: 651200). An algorithm developed to predict the effect of missense changes on protein structure and function (PolyPhen-2) suggests that this variant¬†is likely to be tolerated. In summary, the available evidence is currently insufficient to determine the role of this variant in disease. Therefore, it has been classified as a Variant of Uncertain Significance.

CeGaT Center for Human Genetics Tuebingen
Classification: Uncertain significance. Last evaluated: 2022-09-01. Review status: criteria provided, single submitter. Criteria: CeGaT Center For Human Genetics Tuebingen Variant Classification Criteria Version 2. Collection method: clinical testing. Allele origin: germline. Affected: yes. Observed: 2 variant alleles.
Comment: TECPR2: PM2:Supporting, BP4

GeneDx
Classification: Uncertain significance. Last evaluated: 2021-07-26. Review status: criteria provided, single submitter. Criteria: GeneDx Variant Classification Process June 2021. Collection method: clinical testing. Allele origin: germline. Affected: yes.
Comment: In silico analysis supports that this missense variant does not alter protein structure/function; Has not been previously published as pathogenic or benign to our knowledge; This variant is associated with the following publications: (PMID: 26542466)

Genome Diagnostics Laboratory, The Hospital for Sick Children
Classification: Uncertain significance for Hereditary spastic paraplegia. Last evaluated: 2019-10-01. Review status: criteria provided, single submitter. Criteria: ACMG Guidelines, 2015. Collection method: clinical testing. Allele origin: germline. Affected: yes.

Baylor Genetics
Classification: Uncertain significance for Hereditary spastic paraplegia 49. Last evaluated: 2018-12-24. Review status: criteria provided, single submitter. Criteria: ACMG Guidelines, 2015. Collection method: clinical testing. Allele origin: unknown. Affected: yes.
Comment: This variant was determined to be of uncertain significance according to ACMG Guidelines, 2015 [PMID:25741868].

Daryl Scott Lab, Baylor College of Medicine
Classification: Uncertain significance for Hereditary spastic paraplegia 49. Review status: criteria provided, single submitter. Criteria: ACMG Guidelines, 2015. Collection method: clinical testing. Allele origin: unknown. Affected: yes.
Comment: BS2

Natera, Inc.
Classification: Uncertain significance for Autosomal recessive spastic paraplegia type 49. Last evaluated: 2020-04-17. Review status: no assertion criteria provided. Collection method: clinical testing. Allele origin: germline. Not counted in ClinVar's aggregate classification.

NM_014844.5(TECPR2):c.2330G>A (p.Ser777Asn)

Gene: TECPR2 (tectonin beta-propeller repeat containing 2; plus strand). Cytogenetic location: 14q32.31.
Variant type: single nucleotide variant.
Coding change: c.2330G>A on transcript NM_014844.5 (MANE Select); coding-DNA position 2330, G replaced by A.
Protein change: p.Ser777Asn; replaces serine 777 with asparagine.
Molecular consequence: missense variant.
Genome position (GRCh38, 1-based): chr14:102,435,147, G>A. VCF-style: chr14-102435147-G-A. GRCh37 (hg19) VCF-style: chr14-102901484-G-A.
Other names: c.2330G>A, p.Ser777Asn (NM_001172631.3); c.2330G>A (NM_014844.4); short protein forms S777N.
Identifiers: ClinVar variation 651200 (VCV000651200.55), dbSNP rs144849839, ClinGen allele CA7357891.
Genomic context (GRCh38, chr14:102,435,147, plus strand): 5'-TCTATGCCCACGGGCTTCCTTCTTCATCCTCAGAGACGAGTGTGACAGAGCTCGGACCTA[G>A]TTGCTCCCAGCAGGACCTGAGCCGGCTGGGTGCAGAGGACGCCGGGCTGCTCAAGCCAGA-3'
Protein context (NP_055659.2, residues 767-787): SETSVTELGP[Ser777Asn]CSQQDLSRLG